The following is an entry in ClinVar:

ClinVar aggregate classification (germline): Benign (1 of 4 stars; one submission).

Conditions:
Autosomal recessive osteopetrosis 2. Also called: OSTEOPETROSIS, MILD AUTOSOMAL RECESSIVE FORM. Identifiers: Orphanet 667, MedGen C1850126, MONDO:0009816, OMIM 259710.

Allele frequency attached by ClinVar (database versions not stated): gnomAD 0.00853 and 0.00897; 1000 Genomes Project 0.00938; 1000 Genomes Project 30x 0.00984; TOPMed 0.00992.

Submission:

Illumina Laboratory Services, Illumina
Classification: Benign for Autosomal recessive osteopetrosis 2. Last evaluated: 2018-01-13. Review status: criteria provided, single submitter. Criteria: ICSL Variant Classification Criteria 13 December 2019. Collection method: clinical testing. Allele origin: germline.
Comment: This variant was observed in the ICSL laboratory as part of a predisposition screen in an ostensibly healthy population. It had not been previously curated by ICSL or reported in the Human Gene Mutation Database (HGMD: prior to June 1st, 2018), and was therefore a candidate for classification through an automated scoring system. Utilizing variant allele frequency, disease prevalence and penetrance estimates, and inheritance mode, an automated score was calculated to assess if this variant is too frequent to cause the disease. Based on the score and internal cut-off values, a variant classified as benign is not then subjected to further curation. The score for this variant resulted in a classification of benign for this disease.

NM_003701.4(TNFSF11):c.*742G>A

Gene: TNFSF11 (TNF superfamily member 11; plus strand). Cytogenetic location: 13q14.11.
Variant type: single nucleotide variant.
Coding change: c.*742G>A on transcript NM_003701.4 (MANE Select); 742 bases downstream of the stop codon, G replaced by A.
Molecular consequence: 3 prime UTR variant.
Genome position (GRCh38, 1-based): chr13:42,607,660, G>A. VCF-style: chr13-42607660-G-A. GRCh37 (hg19) VCF-style: chr13-43181796-G-A.
Other names: c.*742G>A (NM_033012.4).
Identifiers: ClinVar variation 312249 (VCV000312249.5), dbSNP rs139327529, ClinGen allele CA10639612.